The following is an entry in ClinVar:

ClinVar aggregate classification (germline): Uncertain significance (1 of 4 stars; one submission).

Conditions:
Dyskeratosis congenita. Identifiers: Orphanet 1775, MedGen C0265965, MONDO:0015780.

gnomAD v4.1: 1 of 1,614,206 alleles (0.000062%); highest among the groups gnomAD compares: Non-Finnish European, 0.000085%; no homozygotes.

Submission:

Labcorp Genetics (formerly Invitae), Labcorp
Classification: Uncertain significance for Dyskeratosis congenita. Last evaluated: 2025-07-02. Review status: criteria provided, single submitter. Criteria: Invitae Variant Classification Sherloc (09022015). Collection method: clinical testing. Allele origin: germline.
Comment: This sequence change replaces serine, which is neutral and polar, with cysteine, which is neutral and slightly polar, at codon 301 of the TINF2 protein (p.Ser301Cys). This variant is not present in population databases (gnomAD no frequency). This variant has not been reported in the literature in individuals affected with TINF2-related conditions. An algorithm developed to predict the effect of missense changes on protein structure and function (PolyPhen-2) suggests that this variant is likely to be disruptive. In summary, the available evidence is currently insufficient to determine the role of this variant in disease. Therefore, it has been classified as a Variant of Uncertain Significance.

NM_001099274.3(TINF2):c.902C>G (p.Ser301Cys)

Gene: TINF2 (TERF1 interacting nuclear factor 2; minus strand). Cytogenetic location: 14q12.
Variant type: single nucleotide variant.
Coding change: c.902C>G on transcript NM_001099274.3 (MANE Select); coding-DNA position 902, C replaced by G.
Protein change: p.Ser301Cys; replaces serine 301 with cysteine.
Molecular consequence: missense variant.
Genome position (GRCh38, 1-based): chr14:24,240,578, G>C on the plus strand (C>G on the coding strand, the complement: TINF2 is on the minus strand). VCF-style: chr14-24240578-G-C. GRCh37 (hg19) VCF-style: chr14-24709784-G-C.
Other names: c.797C>G, p.Ser266Cys (NM_001363668.2); c.902C>G, p.Ser301Cys (NM_012461.3); short protein forms S266C, S301C.
Identifiers: ClinVar variation 4799543 (VCV004799543.1).